The following is an entry in ClinVar:

ClinVar aggregate classification (germline): Uncertain significance (1 of 4 stars; one submission).

Conditions:
Frontotemporal dementia and/or amyotrophic lateral sclerosis 4. Also called: FTDALS4. Identifiers: Orphanet 275872, MedGen C4225325, MONDO:0014641, OMIM 616439.

Submission:

Labcorp Genetics (formerly Invitae), Labcorp
Classification: Uncertain significance for Frontotemporal dementia and/or amyotrophic lateral sclerosis 4. Last evaluated: 2022-02-06. Review status: criteria provided, single submitter. Criteria: Invitae Variant Classification Sherloc (09022015). Collection method: clinical testing. Allele origin: germline.
Comment: This variant, c.1259_1264dup, results in the insertion of 2 amino acid(s) of the TBK1 protein (p.Gly420_Val421dup), but otherwise preserves the integrity of the reading frame. This variant is not present in population databases (gnomAD no frequency). This variant has not been reported in the literature in individuals affected with TBK1-related conditions. In summary, the available evidence is currently insufficient to determine the role of this variant in disease. Therefore, it has been classified as a Variant of Uncertain Significance.

NM_013254.4(TBK1):c.1259_1264dup (p.Val421_Val422insGlyVal)

Gene: TBK1 (TANK binding kinase 1; plus strand). Cytogenetic location: 12q14.2.
Variant type: Duplication.
Coding change: c.1259_1264dup on transcript NM_013254.4 (MANE Select); coding-DNA positions 1259 to 1264, 6 bases duplicated (GGGTTG; older notation c.1259_1264dupGGGTTG).
Protein change: p.Val421_Val422insGlyVal.
Molecular consequence: inframe insertion.
Genome position (GRCh38, 1-based): chr12:64,485,936-64,485,941, GGGTTG duplicated; duplicating any 6 consecutive bases within chr12:64,485,935-64,485,941 gives the same sequence; the c. name uses the placement nearest the transcript's 3' end. VCF-style (leftmost placement, unchanged base first): chr12-64485934-A-AGGGGTT. GRCh37 (hg19) VCF-style: chr12-64879714-A-AGGGGTT.
Identifiers: ClinVar variation 2094302 (VCV002094302.4), dbSNP rs2539519928, ClinGen allele CA2580086627.